The following is an entry in ClinVar:

NM_017780.4(CHD7):c.2613+1del

Gene: CHD7 (chromodomain helicase DNA binding protein 7; plus strand). Cytogenetic location: 8q12.2.
Variant type: Deletion.
Coding change: c.2613+1del on transcript NM_017780.4 (MANE Select); the canonical splice donor site of the intron after coding-DNA position 2613, one base deleted (G; older notation c.2613+1delG).
Molecular consequence: splice donor variant. On other transcripts: intron variant (1).
Genome position (GRCh38, 1-based): chr8:60,816,502, G deleted; the last of 2 consecutive G bases (chr8:60,816,501-60,816,502); deleting either gives the same sequence. VCF-style (leftmost placement, unchanged base first): chr8-60816500-AG-A. GRCh37 (hg19) VCF-style: chr8-61729059-AG-A.
Other names: c.1716+35452del (NM_001316690.1); c.2613+1delG (NM_017780.3).
Identifiers: ClinVar variation 411191 (VCV000411191.1), dbSNP rs1060503189, ClinGen allele CA16612457.

ClinVar aggregate classification (germline): Likely pathogenic (1 of 4 stars; one submission).

Conditions:
CHARGE syndrome (CHARGE). Also called: CHARGE ASSOCIATION--COLOBOMA, HEART ANOMALY, CHOANAL ATRESIA, RETARDATION, GENITAL AND EAR ANOMALIES; Coloboma, heart anomaly, choanal atresia, retardation, genital and ear anomalies; CHARGE association; Hall-Hittner syndrome; Hittner Hirsch Kreh syndrome. Identifiers: Orphanet 138, MedGen C0265354, MONDO:0008965.

Submission:

Labcorp Genetics (formerly Invitae), Labcorp
Classification: Likely pathogenic for CHARGE syndrome. Last evaluated: 2016-09-12. Review status: criteria provided, single submitter. Criteria: Invitae Variant Classification Sherloc (09022015). Collection method: clinical testing. Allele origin: germline.
Comment: This sequence change affects a donor splice site in intron 8 of the CHD7 gene. It is expected to disrupt RNA splicing and likely results in an absent or disrupted protein product. This variant is not present in population databases (ExAC no frequency) and has not been reported in the literature in individuals with a CHD7-related disease. Algorithms developed to predict the effect of sequence changes on RNA splicing suggest that this variant may alter RNA splicing, but this prediction has not been confirmed by published transcriptional studies. In summary, donor and acceptor splice site variants are typically loss-of-function (PMID: 16199547), and loss-of-function variants in CHD7 are known to be pathogenic (PMID: 16400610, 22461308). However, without additional functional and/or genetic data, this variant has been classified as Likely Pathogenic.